The following is an entry in ClinVar:

ClinVar aggregate classification (germline): Uncertain significance. Review status: criteria provided, multiple submitters, no conflicts (2 of 4 stars). 3 submissions from 3 submitters: Uncertain significance (3). Last evaluated 2024-12-14.

Conditions:
Long QT syndrome (LQTS). Identifiers: MedGen C0023976, MeSH D008133, MONDO:0002442. Disease mechanism: loss of function. Inheritance: Various modes of inheritance.
Cardiovascular phenotype. Identifiers: MedGen CN230736.

Allele frequency attached by ClinVar (database versions not stated): gnomAD exomes below 0.00001 and 0.00001; TOPMed below 0.00001; ExAC 0.00001; ESP Exome Variant Server 0.00008.
gnomAD v4.1: 12 of 1,614,202 alleles (0.00074%); highest among the groups gnomAD compares: Non-Finnish European, 0.00093%; no homozygotes.

Submissions (3):

Ambry Genetics
Classification: Uncertain significance for Cardiovascular phenotype. Last evaluated: 2024-12-14. Review status: criteria provided, single submitter. Criteria: Ambry Variant Classification Scheme 2023. Collection method: clinical testing. Allele origin: germline.
Comment: The p.I3644T variant (also known as c.10931T>C), located in coding exon 45 of the AKAP9 gene, results from a T to C substitution at nucleotide position 10931. The isoleucine at codon 3644 is replaced by threonine, an amino acid with similar properties. This amino acid position is conserved. In addition, this alteration is predicted to be tolerated by in silico analysis. Since supporting evidence is limited at this time, the clinical significance of this alteration remains unclear.

Labcorp Genetics (formerly Invitae), Labcorp
Classification: Uncertain significance for Long QT syndrome. Last evaluated: 2020-11-25. Review status: criteria provided, single submitter. Criteria: Invitae Variant Classification Sherloc (09022015). Collection method: clinical testing. Allele origin: germline.
Comment: In summary, the available evidence is currently insufficient to determine the role of this variant in disease. Therefore, it has been classified as a Variant of Uncertain Significance. Algorithms developed to predict the effect of missense changes on protein structure and function are either unavailable or do not agree on the potential impact of this missense change (SIFT: "Deleterious"; PolyPhen-2: "Possibly Damaging"; Align-GVGD: "Class C0"). This variant has not been reported in the literature in individuals with AKAP9-related conditions. ClinVar contains an entry for this variant (Variation ID: 928921). This variant is present in population databases (rs367598698, ExAC 0.01%). This sequence change replaces isoleucine with threonine at codon 3644 of the AKAP9 protein (p.Ile3644Thr). The isoleucine residue is moderately conserved and there is a moderate physicochemical difference between isoleucine and threonine.

Women's Health and Genetics/Laboratory Corporation of America, LabCorp
Classification: Uncertain significance. Last evaluated: 2019-11-18. Review status: criteria provided, single submitter. Criteria: LabCorp Variant Classification Summary - May 2015. Collection method: clinical testing. Allele origin: germline.
Comment: Variant summary: AKAP9 c.10931T>C (p.Ile3644Thr) results in a non-conservative amino acid change in the encoded protein sequence. Two of four in-silico tools predict a benign effect of the variant on protein function. The variant allele was found at a frequency of 4e-06 in 251462 control chromosomes (gnomAD). The available data on variant occurrences in the general population are insufficient to allow any conclusion about variant significance. To our knowledge, no occurrence of c.10931T>C in individuals affected with Arrhythmia and no experimental evidence demonstrating an impact on protein function have been reported. No clinical diagnostic laboratories have submitted clinical-significance assessments for this variant to ClinVar after 2014. Based on the evidence outlined above, the variant was classified as uncertain significance.

NM_005751.5(AKAP9):c.10931T>C (p.Ile3644Thr)

Gene: AKAP9 (A-kinase anchoring protein 9; plus strand). Cytogenetic location: 7q21.2.
Variant type: single nucleotide variant.
Coding change: c.10931T>C on transcript NM_005751.5 (MANE Select); coding-DNA position 10931, T replaced by C.
Protein change: p.Ile3644Thr; replaces isoleucine 3644 with threonine.
Molecular consequence: missense variant.
Genome position (GRCh38, 1-based): chr7:92,100,890, T>C. VCF-style: chr7-92100890-T-C. GRCh37 (hg19) VCF-style: chr7-91730204-T-C.
Other names: c.5576T>C, p.Ile1859Thr (NM_001379277.1); c.10907T>C, p.Ile3636Thr (NM_147185.3); short protein forms I1859T, I3636T, I3644T.
Identifiers: ClinVar variation 928921 (VCV000928921.13), dbSNP rs367598698, ClinGen allele CA4338061.